The following is an entry in ClinVar:

NM_001172509.2(SATB2):c.1144T>C (p.Phe382Leu)

Gene: SATB2 (SATB homeobox 2; minus strand). Cytogenetic location: 2q33.1.
Variant type: single nucleotide variant.
Coding change: c.1144T>C on transcript NM_001172509.2 (MANE Select); coding-DNA position 1144, T replaced by C.
Protein change: p.Phe382Leu; replaces phenylalanine 382 with leucine.
Molecular consequence: missense variant.
Genome position (GRCh38, 1-based): chr2:199,348,730, A>G on the plus strand (T>C on the coding strand, the complement: SATB2 is on the minus strand). VCF-style: chr2-199348730-A-G. GRCh37 (hg19) VCF-style: chr2-200213453-A-G.
Other names: c.1144T>C, p.Phe382Leu (NM_001172517.1, NM_015265.4); short protein forms F382L.
Identifiers: ClinVar variation 1313082 (VCV001313082.2), dbSNP rs2105822855, ClinGen allele CA350387077.

ClinVar aggregate classification (germline): Uncertain significance (1 of 4 stars; one submission).

Submission:

GeneDx
Classification: Uncertain significance. Last evaluated: 2020-07-14. Review status: criteria provided, single submitter. Criteria: GeneDx Variant Classification Process June 2021. Collection method: clinical testing. Allele origin: germline. Affected: yes.
Comment: Not observed in large population cohorts (Lek et al., 2016); In silico analysis supports that this missense variant has a deleterious effect on protein structure/function; Has not been previously published as pathogenic or benign to our knowledge